The following is an entry in ClinVar:

ClinVar aggregate classification (germline): Likely benign. Review status: criteria provided, multiple submitters, no conflicts (2 of 4 stars). 4 submissions from 4 submitters: Likely benign (4). Last evaluated 2025-06-13.

Conditions:
Ichthyosis bullosa of Siemens (IBS). Also called: Superficial epidermolytic ichthyosis. Identifiers: Orphanet 455, MedGen C0432306, MONDO:0007813, OMIM 146800.

Allele frequency attached by ClinVar (database versions not stated): ExAC 0.00020; gnomAD 0.00021 and 0.00023; ESP Exome Variant Server 0.00031; 1000 Genomes Project 0.00040; TOPMed 0.00045; 1000 Genomes Project 30x 0.00047.
gnomAD v4.1: 354 of 1,611,142 alleles (0.022%); highest among the groups gnomAD compares: Middle Eastern, 1.7%; 2 homozygotes.

Submissions (4):

Labcorp Genetics (formerly Invitae), Labcorp
Classification: Likely benign. Last evaluated: 2025-06-13. Review status: criteria provided, single submitter. Criteria: Invitae Variant Classification Sherloc (09022015). Collection method: clinical testing. Allele origin: germline.

Blueprint Genetics
Classification: Likely benign. Last evaluated: 2024-11-06. Review status: criteria provided, single submitter. Criteria: ACMG Guidelines, 2015. Collection method: clinical testing. Allele origin: germline.

Illumina Laboratory Services, Illumina
Classification: Likely benign for Ichthyosis bullosa of Siemens. Last evaluated: 2018-01-12. Review status: criteria provided, single submitter. Criteria: ICSL Variant Classification Criteria 13 December 2019. Collection method: clinical testing. Allele origin: germline.
Comment: This variant was observed in the ICSL laboratory as part of a predisposition screen in an ostensibly healthy population. It had not been previously curated by ICSL or reported in the Human Gene Mutation Database (HGMD: prior to June 1st, 2018), and was therefore a candidate for classification through an automated scoring system. Utilizing variant allele frequency, disease prevalence and penetrance estimates, and inheritance mode, an automated score was calculated to assess if this variant is too frequent to cause the disease. Based on the score and internal cut-off values, a variant classified as likely benign is not then subjected to further curation. The score for this variant resulted in a classification of likely benign for this disease.

Breakthrough Genomics
Classification: Likely benign. Review status: criteria provided, single submitter. Criteria: ACMG Guidelines, 2015. Collection method: not provided. Allele origin: germline. Inheritance: Autosomal dominant inheritance. Affected: yes.

NM_000423.3(KRT2):c.134G>A (p.Arg45His)

Gene: KRT2 (keratin 2; minus strand). Cytogenetic location: 12q13.13.
Variant type: single nucleotide variant.
Coding change: c.134G>A on transcript NM_000423.3 (MANE Select); coding-DNA position 134, G replaced by A.
Protein change: p.Arg45His; replaces arginine 45 with histidine.
Molecular consequence: missense variant.
Genome position (GRCh38, 1-based): chr12:52,652,009, C>T on the plus strand (G>A on the coding strand, the complement: KRT2 is on the minus strand). VCF-style: chr12-52652009-C-T. GRCh37 (hg19) VCF-style: chr12-53045793-C-T.
Other names: short protein forms R45H.
Identifiers: ClinVar variation 309627 (VCV000309627.14), dbSNP rs149447253, ClinGen allele CA6585960.